The following is an entry in ClinVar:

ClinVar aggregate classification (germline): Uncertain significance (1 of 4 stars; one submission).

Submission:

GeneDx
Classification: Uncertain significance. Last evaluated: 2025-08-05. Review status: criteria provided, single submitter. Criteria: GeneDx Variant Classification Process June 2021. Collection method: clinical testing. Allele origin: germline. Affected: yes.
Comment: Frameshift variant predicted to result in protein truncation or nonsense mediated decay in a gene for which loss of function is a known mechanism of disease; Has not been previously published as pathogenic or benign to our knowledge

NM_144658.4(DOCK11):c.992_995dup (p.Asp332fs)

Gene: DOCK11 (dedicator of cytokinesis 11; plus strand). Cytogenetic location: Xq24.
Variant type: Microsatellite.
Coding change: c.992_995dup on transcript NM_144658.4 (MANE Select); coding-DNA positions 992 to 995, 4 bases duplicated (GAGA; older notation c.992_995dupGAGA).
Protein change: p.Asp332fs; shifts the reading frame from aspartic acid 332.
Molecular consequence: frameshift variant.
Genome position (GRCh38, 1-based): chrX:118,568,119-118,568,122, GAGA duplicated. VCF-style (leftmost placement, unchanged base first): chrX-118568118-G-GGAGA. GRCh37 (hg19) VCF-style: chrX-117702081-G-GGAGA.
Other names: short protein forms D332fs.
Identifiers: ClinVar variation 4755832 (VCV004755832.1).